The following is an entry in ClinVar:

ClinVar aggregate classification (germline): Uncertain significance (1 of 4 stars; one submission).

Conditions:
Inborn genetic diseases. Identifiers: MedGen C0950123, MeSH D030342.

Submission:

Ambry Genetics
Classification: Uncertain significance for Inborn genetic diseases. Last evaluated: 2025-06-19. Review status: criteria provided, single submitter. Criteria: Ambry Variant Classification Scheme 2023. Collection method: clinical testing. Allele origin: germline.
Comment: The p.K440R variant (also known as c.1319A>G), located in coding exon 12 of the ASXL1 gene, results from an A to G substitution at nucleotide position 1319. The lysine at codon 440 is replaced by arginine, an amino acid with highly similar properties. This amino acid position is conserved. In addition, this alteration is predicted to be tolerated by in silico analysis. Based on the available evidence, the clinical significance of this variant remains unclear.

NM_015338.6(ASXL1):c.1319A>G (p.Lys440Arg)

Gene: ASXL1 (ASXL transcriptional regulator 1; plus strand). Cytogenetic location: 20q11.21.
Variant type: single nucleotide variant.
Coding change: c.1319A>G on transcript NM_015338.6 (MANE Select); coding-DNA position 1319, A replaced by G.
Protein change: p.Lys440Arg; replaces lysine 440 with arginine.
Molecular consequence: missense variant.
Genome position (GRCh38, 1-based): chr20:32,433,517, A>G. VCF-style: chr20-32433517-A-G. GRCh37 (hg19) VCF-style: chr20-31021320-A-G.
Other names: c.1136A>G, p.Lys379Arg (NM_001363734.1); short protein forms K440R, K379R.
Identifiers: ClinVar variation 4157701 (VCV004157701.1).
Genomic context (GRCh38, chr20:32,433,517, plus strand): 5'-CCAGAAGGAATCTGTACAAAAAACAGGAGTCAGAACAAGCAGGGGTTGCTAAGGATGCAA[A>G]ATCTGTGGCCTCAGATGTTCCCCTCTACAAGGATGGGGAGGCTAAGACTGACCCAGCAGG-3'
Protein context (NP_056153.2, residues 430-450): SEQAGVAKDA[Lys440Arg]SVASDVPLYK